The following is an entry in ClinVar:

NM_001814.6(CTSC):c.555dup (p.Thr186fs)

Gene: CTSC (cathepsin C; minus strand). Cytogenetic location: 11q14.2.
Variant type: Duplication.
Coding change: c.555dup on transcript NM_001814.6 (MANE Select); coding-DNA position 555, one base duplicated (G; older notation c.555dupG).
Protein change: p.Thr186fs; shifts the reading frame from threonine 186.
Molecular consequence: frameshift variant.
Genome position (GRCh38, 1-based): chr11:88,309,249, C duplicated on the plus strand (G on the coding strand, the reverse complement: CTSC is on the minus strand); the first of 2 consecutive C bases (chr11:88,309,249-88,309,250); duplicating either gives the same sequence. VCF-style (leftmost placement, unchanged base first): chr11-88309248-T-TC. GRCh37 (hg19) VCF-style: chr11-88042416-T-TC.
Other names: short protein forms T186fs.
Identifiers: ClinVar variation 1351279 (VCV001351279.5), dbSNP rs2496556146, ClinGen allele CA2573147794.

ClinVar aggregate classification (germline): Pathogenic (1 of 4 stars; one submission).

Conditions:
Papillon-Lefèvre syndrome (PALS). Also called: KERATOSIS PALMOPLANTARIS WITH PERIODONTOPATHIA; Papillon-Lefevre Disease. Identifiers: Orphanet 678, MedGen C0030360, MONDO:0009490, OMIM 245000.
Periodontitis, aggressive. Identifiers: MedGen C0031106, MONDO:0980757.
Haim-Munk syndrome (HMS). Also called: COCHIN JEWISH DISORDER; KERATOSIS PALMOPLANTARIS WITH PERIODONTOPATHIA AND ONYCHOGRYPOSIS. Identifiers: Orphanet 2342, MedGen C1855627, MONDO:0009491, OMIM 245010.

Submission:

Labcorp Genetics (formerly Invitae), Labcorp
Classification: Pathogenic for Haim-Munk syndrome; Periodontitis, aggressive; Papillon-Lefèvre syndrome. Last evaluated: 2023-01-22. Review status: criteria provided, single submitter. Criteria: Invitae Variant Classification Sherloc (09022015). Collection method: clinical testing. Allele origin: germline.
Comment: This sequence change creates a premature translational stop signal (p.Thr186Aspfs*9) in the CTSC gene. It is expected to result in an absent or disrupted protein product. Loss-of-function variants in CTSC are known to be pathogenic (PMID: 10662808, 11106356, 11886537). This variant is not present in population databases (gnomAD no frequency). For these reasons, this variant has been classified as Pathogenic. ClinVar contains an entry for this variant (Variation ID: 1351279). This variant has not been reported in the literature in individuals affected with CTSC-related conditions.

Literature cited by the submitters: PubMed 10662808; PubMed 11106356; PubMed 11886537.